The following is an entry in ClinVar:

NM_000552.5(VWF):c.4457C>T (p.Ser1486Leu)

Gene: VWF (von Willebrand factor; minus strand). Cytogenetic location: 12p13.31.
Variant type: single nucleotide variant.
Coding change: c.4457C>T on transcript NM_000552.5 (MANE Select); coding-DNA position 4457, C replaced by T.
Protein change: p.Ser1486Leu; replaces serine 1486 with leucine.
Molecular consequence: missense variant.
Genome position (GRCh38, 1-based): chr12:6,018,961, G>A on the plus strand (C>T on the coding strand, the complement: VWF is on the minus strand). VCF-style: chr12-6018961-G-A. GRCh37 (hg19) VCF-style: chr12-6128127-G-A.
Other names: short protein forms S1486L.
Identifiers: ClinVar variation 560630 (VCV000560630.19), dbSNP rs149424724, ClinGen allele CA6402527.

ClinVar aggregate classification (germline): Conflicting classifications of pathogenicity. Review status: criteria provided, conflicting classifications (1 of 4 stars). 8 submissions from 8 submitters: Uncertain significance (5); Likely benign (2). 1 of the submissions does not count toward it. Last evaluated 2026-09-12.

Conditions:
von Willebrand disease type 1 (VWD1). Also called: VWD, TYPE 1; VON WILLEBRAND DISEASE, TYPE I. Identifiers: Orphanet 166078, Orphanet 903, MedGen C1264039, MONDO:0008668, OMIM 193400. Inheritance: autosomal recessive or autosomal dominant.
Hereditary von Willebrand disease. Identifiers: Orphanet 903, MedGen C5703318, MONDO:0019565. Inheritance: Autosomal recessive or Autosomal dominant.

Allele frequency attached by ClinVar (database versions not stated): gnomAD exomes 0.00024 and 0.00068; ExAC 0.00085; 1000 Genomes Project 30x 0.00234; 1000 Genomes Project 0.00260; gnomAD 0.00266 and 0.00282; ESP Exome Variant Server 0.00285; TOPMed 0.00292.
gnomAD v4.1: 782 of 1,613,858 alleles (0.048%); highest among the groups gnomAD compares: African/African-American, 0.91%; 9 homozygotes.

Submissions (8):

GeneDx
Classification: Uncertain significance. Last evaluated: 2026-09-12. Review status: criteria provided, single submitter. Criteria: GeneDx Variant Classification Process June 2021. Collection method: clinical testing. Allele origin: germline.
Comment: In silico analysis suggests that this missense variant does not alter protein structure/function; This variant is associated with the following publications: (PMID: 30817071, 23886775, 35552711, 23690449)

Women's Health and Genetics/Laboratory Corporation of America, LabCorp
Classification: Likely benign. Last evaluated: 2025-02-10. Review status: criteria provided, single submitter. Criteria: LabCorp Variant Classification Summary - May 2015. Collection method: clinical testing. Allele origin: germline.
Comment: Variant summary: VWF c.4457C>T (p.Ser1486Leu) results in a non-conservative amino acid change in the encoded protein sequence. Four of five in-silico tools predict a benign effect of the variant on protein function. The variant allele was found at a frequency of 0.00048 in 1613858 control chromosomes, predominantly at a frequency of 0.0091 within the African or African-American subpopulation in the gnomAD database, including 8 homozygotes. The observed variant frequency within African or African-American control individuals in the gnomAD database exceeds the estimated maximal expected allele frequency for a pathogenic variant in VWF causing Von Willebrand Disease phenotype. c.4457C>T has been reported in the literaure in an individual with a diagnosis of type 2 Von Willebrand Disease, without strong evidence for causality (Freitas_2019), and it has been found to have an association with decreased levels of VWF, but no association with FVIII level in healthy African American individuals (Johnsen_2013, Pankratz_2022). These reports do not provide unequivocal conclusions about association of the variant with Von Willebrand Disease. To our knowledge, no experimental evidence demonstrating an impact on protein function has been reported. The following publications have been ascertained in the context of this evaluation (PMID: 30817071, 23690449, 35552711). ClinVar contains an entry for this variant (Variation ID: 560630). Based on the evidence outlined above, the variant was classified as likely benign.

Blueprint Genetics
Classification: Uncertain significance. Last evaluated: 2024-09-02. Review status: criteria provided, single submitter. Criteria: ACMG Guidelines, 2015. Collection method: clinical testing. Allele origin: germline.

Quest Diagnostics Nichols Institute San Juan Capistrano
Classification: Likely benign. Last evaluated: 2023-02-09. Review status: criteria provided, single submitter. Criteria: Quest Diagnostics criteria. Collection method: clinical testing. Allele origin: unknown.

ARUP Laboratories, Molecular Genetics and Genomics, ARUP Laboratories
Classification: Uncertain significance. Last evaluated: 2022-04-20. Review status: criteria provided, single submitter. Criteria: ARUP Molecular Germline Variant Investigation Process 2021. Collection method: clinical testing. Allele origin: germline.
Comment: The VWF c.4457C>T, p.Ser1486Leu variant (rs149424724) is reported in the literature in an individual affected with von Willebrand disease (Freitas 2019) and has been associated with a decrease in VWF plasma levels (Johnsen 2013). This variant is also reported in ClinVar (Variation ID: 560630) and is found in the African population with an allele frequency of 0.9% (213/24258 alleles) in the Genome Aggregation Database. The serine at codon 1486 is moderately conserved, and computational analyses are uncertain whether this variant is neutral or deleterious (REVEL: 0.209). However, given the lack of clinical and functional data, the significance of the p.Ser1486Leu variant is uncertain at this time. References: Freitas SDS et al. Genetic variants of VWF gene in type 2 von Willebrand disease. Haemophilia. 2019 Mar;25(2):e78-e85. PMID: 30817071. Johnsen JM et al. Common and rare von Willebrand factor (VWF) coding variants, VWF levels, and factor VIII levels in African Americans: the NHLBI Exome Sequencing Project. Blood. 2013 Jul 25;122(4):590-7. PMID: 23690449.

Genetic Services Laboratory, University of Chicago
Classification: Uncertain significance. Last evaluated: 2018-12-19. Review status: criteria provided, single submitter. Criteria: ACMG Guidelines, 2015. Collection method: clinical testing. Allele origin: germline. Affected: no.

ISTH-SSC Genomics in Thrombosis and Hemostasis, KU Leuven, Center for Molecular and Vascular Biology
Classification: Uncertain significance for von Willebrand disease type 1. Review status: criteria provided, single submitter. Criteria: ACMG Guidelines, 2015. Collection method: clinical testing. Allele origin: germline. Affected: yes. Observed: 1 heterozygote.
Comment: Submitted to the GoldVariant database by Kathleen Freson, Center for Molecular and Vascular Biology

Clinical Molecular Genetics Laboratory, Johns Hopkins All Children's Hospital
Classification: Uncertain significance for von Willebrand disorder. Last evaluated: 2014-08-12. Review status: no assertion criteria provided. Collection method: clinical testing. Allele origin: germline. Affected: yes. Not counted in ClinVar's aggregate classification.

Literature cited by the submitters: PubMed 30817071 (cited by Women's Health and Genetics/Laboratory Corporation of America, LabCorp and Quest Diagnostics Nichols Institute San Juan Capistrano); PubMed 23690449 (cited by Women's Health and Genetics/Laboratory Corporation of America, LabCorp and Quest Diagnostics Nichols Institute San Juan Capistrano); PubMed 35552711 (cited by Women's Health and Genetics/Laboratory Corporation of America, LabCorp and Quest Diagnostics Nichols Institute San Juan Capistrano); PubMed 20590881 (cited by Quest Diagnostics Nichols Institute San Juan Capistrano); PubMed 24482836 (cited by Quest Diagnostics Nichols Institute San Juan Capistrano); PubMed 23886775 (cited by Quest Diagnostics Nichols Institute San Juan Capistrano).